The following is an entry in ClinVar:

NM_001369.3(DNAH5):c.193-6T>G

Gene: DNAH5 (dynein axonemal heavy chain 5; minus strand). Cytogenetic location: 5p15.2.
Variant type: single nucleotide variant.
Coding change: c.193-6T>G on transcript NM_001369.3 (MANE Select); 6 bases into the intron before coding-DNA position 193, T replaced by G.
Molecular consequence: intron variant.
Genome position (GRCh38, 1-based): chr5:13,928,184, A>C on the plus strand (T>G on the coding strand, the complement: DNAH5 is on the minus strand). VCF-style: chr5-13928184-A-C. GRCh37 (hg19) VCF-style: chr5-13928293-A-C.
Identifiers: ClinVar variation 414367 (VCV000414367.16), dbSNP rs762313659, ClinGen allele CA3205253.

ClinVar aggregate classification (germline): Conflicting classifications of pathogenicity. Review status: criteria provided, conflicting classifications (1 of 4 stars). 4 submissions from 4 submitters: Uncertain significance (1); Likely benign (2). 1 of the submissions does not count toward it. Last evaluated 2024-10-24.

Conditions:
DNAH5-related disorder. Also called: DNAH5-related condition.
Primary ciliary dyskinesia. Also called: Ciliary dyskinesia. Identifiers: Orphanet 244, MedGen C0008780, MONDO:0016575, HP:0012265.

Allele frequency attached by ClinVar (database versions not stated): ExAC 0.00001; gnomAD 0.00001; gnomAD exomes 0.00001; TOPMed 0.00001.
gnomAD v4.1: 23 of 1,603,934 alleles (0.0014%); highest among the groups gnomAD compares: East Asian, 0.0089%; no homozygotes.

Submissions (4):

Labcorp Genetics (formerly Invitae), Labcorp
Classification: Likely benign for Primary ciliary dyskinesia. Last evaluated: 2024-10-24. Review status: criteria provided, single submitter. Criteria: Invitae Variant Classification Sherloc (09022015). Collection method: clinical testing. Allele origin: germline.

Blueprint Genetics
Classification: Likely benign. Last evaluated: 2023-04-20. Review status: criteria provided, single submitter. Criteria: ACMG Guidelines, 2015. Collection method: clinical testing. Allele origin: germline.

Ambry Genetics
Classification: Uncertain significance for Primary ciliary dyskinesia. Last evaluated: 2015-08-05. Review status: criteria provided, single submitter. Criteria: Ambry Variant Classification Scheme 2023. Collection method: clinical testing. Allele origin: germline.
Comment: The c.193-6T>G intronic alteration consists of a T to G substitution 6 nucleotides before coding exon 3 in the DNAH5 gene. Based on insufficient or conflicting evidence, the clinical significance of this alteration remains unclear.

PreventionGenetics, part of Exact Sciences
Classification: Likely benign for DNAH5-related condition. Last evaluated: 2020-01-29. Review status: no assertion criteria provided. Collection method: clinical testing. Allele origin: germline. Not counted in ClinVar's aggregate classification.
Comment: This variant is classified as likely benign based on ACMG/AMP sequence variant interpretation guidelines (Richards et al. 2015 PMID: 25741868, with internal and published modifications).